The following is an entry in ClinVar:

NM_000038.6(APC):c.6692T>C (p.Ile2231Thr)

Gene: APC (APC regulator of Wnt signaling pathway; plus strand). Cytogenetic location: 5q22.2.
Variant type: single nucleotide variant.
Coding change: c.6692T>C on transcript NM_000038.6 (MANE Select); coding-DNA position 6692, T replaced by C.
Protein change: p.Ile2231Thr; replaces isoleucine 2231 with threonine.
Molecular consequence: missense variant. On other transcripts: non-coding transcript variant (2).
Genome position (GRCh38, 1-based): chr5:112,842,286, T>C. VCF-style: chr5-112842286-T-C. GRCh37 (hg19) VCF-style: chr5-112177983-T-C.
Other names: c.6692T>C, p.Ile2231Thr (NM_001127510.3, NM_001354895.2, NM_001407450.1); c.6638T>C, p.Ile2213Thr (NM_001127511.3); c.6746T>C, p.Ile2249Thr (NM_001354896.2, NM_001407447.1, NM_001407448.1 and 1 more transcripts); c.6722T>C, p.Ile2241Thr (NM_001354897.2); c.6617T>C, p.Ile2206Thr (NM_001354898.2); c.6608T>C, p.Ile2203Thr (NM_001354899.2); c.6569T>C, p.Ile2190Thr (NM_001354900.2); c.6515T>C, p.Ile2172Thr (NM_001354901.2, NM_001407453.1); and 11 more; short protein forms I2102T, I2190T, I2213T, I2224T, I2130T, I2206T, I2221T, I2071T.
Identifiers: ClinVar variation 3928132 (VCV003928132.1).

ClinVar aggregate classification (germline): Uncertain significance (1 of 4 stars; one submission).

Conditions:
Hereditary cancer-predisposing syndrome. Also called: Hereditary Cancer Syndrome; Hereditary neoplastic syndrome; Neoplastic Syndromes, Hereditary; Tumor predisposition. Identifiers: Orphanet 140162, MedGen C0027672, MeSH D009386, MONDO:0015356.

Submission:

Ambry Genetics
Classification: Uncertain significance for Hereditary cancer-predisposing syndrome. Last evaluated: 2025-03-22. Review status: criteria provided, single submitter. Criteria: Ambry Variant Classification Scheme 2023. Collection method: clinical testing. Allele origin: germline.
Comment: The p.I2231T variant (also known as c.6692T>C), located in coding exon 15 of the APC gene, results from a T to C substitution at nucleotide position 6692. The isoleucine at codon 2231 is replaced by threonine, an amino acid with similar properties. This amino acid position is conserved. In addition, in silico predictors for this gene do not accurately predict pathogenicity. Based on the available evidence, the clinical significance of this variant remains unclear.